The following is an entry in ClinVar:

NM_001365999.1(SZT2):c.9887G>T (p.Gly3296Val)

Genes: SZT2 (SZT2 subunit of KICSTOR complex; plus strand), SZT2-AS1 (SZT2 antisense RNA 1; minus strand). Cytogenetic location: 1p34.2.
Variant type: single nucleotide variant.
Coding change: c.9887G>T on transcript NM_001365999.1 (MANE Select); coding-DNA position 9887, G replaced by T.
Protein change: p.Gly3296Val; replaces glycine 3296 with valine.
Molecular consequence: missense variant. On other transcripts: non-coding transcript variant (1).
Genome position (GRCh38, 1-based): chr1:43,448,402, G>T. VCF-style: chr1-43448402-G-T. GRCh37 (hg19) VCF-style: chr1-43914073-G-T.
Other names: p.Gly3239Val; c.9716G>T, p.Gly3239Val (NM_015284.4); short protein forms G3239V, G3296V.
Identifiers: ClinVar variation 660306 (VCV000660306.16), dbSNP rs368272173, ClinGen allele CA811030.

ClinVar aggregate classification (germline): Conflicting classifications of pathogenicity. Review status: criteria provided, conflicting classifications (1 of 4 stars). 7 submissions from 7 submitters: Uncertain significance (5); Likely benign (1). 1 of the submissions does not count toward it. Last evaluated 2025-09-17.

Conditions:
Developmental and epileptic encephalopathy, 18 (DEE18). Also called: Early infantile epileptic encephalopathy 18. Identifiers: Orphanet 369894, MedGen C3809624, MONDO:0014201, OMIM 615476.
SZT2-related disorder. Also called: SZT2-related condition.
Inborn genetic diseases. Identifiers: MedGen C0950123, MeSH D030342.

Allele frequency attached by ClinVar (database versions not stated): gnomAD 0.00061; ExAC 0.00075; TOPMed 0.00013; ESP Exome Variant Server 0.00008.
gnomAD v4.1: 342 of 1,579,916 alleles (0.022%); highest among the groups gnomAD compares: Middle Eastern, 0.05%; no homozygotes.

Submissions (7):

GeneDx
Classification: Uncertain significance. Last evaluated: 2025-09-17. Review status: criteria provided, single submitter. Criteria: GeneDx Variant Classification Process June 2021. Collection method: clinical testing. Allele origin: germline. Affected: yes.
Comment: In silico analysis suggests that this missense variant does not alter protein structure/function; Has not been previously published as pathogenic or benign to our knowledge

Mayo Clinic Laboratories, Mayo Clinic
Classification: Likely benign. Last evaluated: 2025-03-18. Review status: criteria provided, single submitter. Criteria: ACMG Guidelines, 2015. Collection method: clinical testing. Allele origin: germline. Observed: 3 variant alleles.
Comment: BS1, BP4

Women's Health and Genetics/Laboratory Corporation of America, LabCorp
Classification: Uncertain significance. Last evaluated: 2023-10-25. Review status: criteria provided, single submitter. Criteria: LabCorp Variant Classification Summary - May 2015. Collection method: clinical testing. Allele origin: germline.
Comment: Variant summary: C1orf84 c.9716G>T (p.Gly3239Val) results in a non-conservative amino acid change in the encoded protein sequence. Two of four in-silico tools predict a benign effect of the variant on protein function. The variant allele was found at a frequency of 0.00032 in 224310 control chromosomes (gnomAD). To our knowledge, no occurrence of c.9716G>T in individuals affected with Early Infantile Epileptic Encephalopathy 18 and no experimental evidence demonstrating its impact on protein function have been reported. Three submitters have cited clinical-significance assessments for this variant to ClinVar after 2014. All submitters classified the variant as uncertain significance. Based on the evidence outlined above, the variant was classified as uncertain significance.

Genome-Nilou Lab
Classification: Uncertain significance for Developmental and epileptic encephalopathy, 18. Last evaluated: 2023-04-11. Review status: criteria provided, single submitter. Criteria: ACMG Guidelines, 2015. Collection method: clinical testing. Allele origin: germline. Affected: no.

Labcorp Genetics (formerly Invitae), Labcorp
Classification: Uncertain significance. Last evaluated: 2022-09-13. Review status: criteria provided, single submitter. Criteria: Invitae Variant Classification Sherloc (09022015). Collection method: clinical testing. Allele origin: germline.
Comment: This sequence change replaces glycine, which is neutral and non-polar, with valine, which is neutral and non-polar, at codon 3239 of the SZT2 protein (p.Gly3239Val). This variant is present in population databases (rs368272173, gnomAD 0.1%). This variant has not been reported in the literature in individuals affected with SZT2-related conditions. ClinVar contains an entry for this variant (Variation ID: 660306). Advanced modeling of protein sequence and biophysical properties (such as structural, functional, and spatial information, amino acid conservation, physicochemical variation, residue mobility, and thermodynamic stability) performed at Invitae indicates that this missense variant is expected to disrupt SZT2 protein function. In summary, the available evidence is currently insufficient to determine the role of this variant in disease. Therefore, it has been classified as a Variant of Uncertain Significance.

Ambry Genetics
Classification: Uncertain significance for Inborn genetic diseases. Last evaluated: 2019-03-29. Review status: criteria provided, single submitter. Criteria: Ambry Variant Classification Scheme 2023. Collection method: clinical testing. Allele origin: germline.
Comment: The p.G3239V variant (also known as c.9716G>T), located in coding exon 68 of the SZT2 gene, results from a G to T substitution at nucleotide position 9716. The glycine at codon 3239 is replaced by valine, an amino acid with dissimilar properties. This amino acid position is well conserved in available vertebrate species. In addition, this alteration is predicted to be tolerated by in silico analysis. Since supporting evidence is limited at this time, the clinical significance of this alteration remains unclear.

PreventionGenetics, part of Exact Sciences
Classification: Likely benign for SZT2-related condition. Last evaluated: 2022-04-11. Review status: no assertion criteria provided. Collection method: clinical testing. Allele origin: germline. Not counted in ClinVar's aggregate classification.
Comment: This variant is classified as likely benign based on ACMG/AMP sequence variant interpretation guidelines (Richards et al. 2015 PMID: 25741868, with internal and published modifications).